The following is an entry in ClinVar:

ClinVar aggregate classification (germline): Uncertain significance (1 of 4 stars; one submission).

Submission:

Athena Diagnostics
Classification: Uncertain significance. Last evaluated: 2025-06-18. Review status: criteria provided, single submitter. Criteria: Athena Diagnostics Criteria. Collection method: clinical testing. Allele origin: unknown.
Comment: Available data are insufficient to determine the clinical significance of the variant at this time. The frequency of this variant in the general population is uninformative in assessment of its pathogenicity. Polyphen and MutationTaster predict this amino acid change may be damaging to the protein.

NM_001267550.2(TTN):c.69359A>G (p.Tyr23120Cys)

Genes: TTN (titin; minus strand), TTN-AS1 (TTN antisense RNA 1; plus strand). Cytogenetic location: 2q31.2.
Variant type: single nucleotide variant.
Coding change: c.69359A>G on transcript NM_001267550.2 (MANE Select); coding-DNA position 69359, A replaced by G.
Protein change: p.Tyr23120Cys; replaces tyrosine 23120 with cysteine.
Molecular consequence: missense variant.
Genome position (GRCh38, 1-based): chr2:178,576,976, T>C on the plus strand (A>G on the coding strand, the complement: TTN is on the minus strand). VCF-style: chr2-178576976-T-C. GRCh37 (hg19) VCF-style: chr2-179441703-T-C.
Other names: c.64436A>G, p.Tyr21479Cys (NM_001256850.1); c.42164A>G, p.Tyr14055Cys (NM_003319.4); c.61655A>G, p.Tyr20552Cys (NM_133378.4); c.42539A>G, p.Tyr14180Cys (NM_133432.3); c.42740A>G, p.Tyr14247Cys (NM_133437.4); short protein forms Y14055C, Y14180C, Y14247C, Y20552C, Y21479C, Y23120C.
Identifiers: ClinVar variation 4682276 (VCV004682276.1).